The following is an entry in ClinVar:

ClinVar aggregate classification (germline): Pathogenic. Review status: criteria provided, multiple submitters, no conflicts (2 of 4 stars). 4 submissions from 4 submitters: Pathogenic (2). 2 of the submissions do not count toward it. Last evaluated 2023-08-03.

Conditions:
Malignant lymphoma, large B-cell, diffuse. Also called: Diffuse large B cell lymphoma. Identifiers: Orphanet 544, MedGen C0079744, MeSH D016403, MONDO:0018905.
Hereditary cancer-predisposing syndrome. Also called: Tumor predisposition; Neoplastic Syndromes, Hereditary; Hereditary Cancer Syndrome; Hereditary neoplastic syndrome. Identifiers: Orphanet 140162, MedGen C0027672, MeSH D009386, MONDO:0015356.
Microcephaly, normal intelligence and immunodeficiency (NBS). Also called: Nijmegen breakage syndrome; Microcephaly with normal intelligence immunodeficiency and lymphoreticular malignancies; Nonsyndromal microcephaly autosomal recessive with normal intelligence; Seemanova syndrome 2; BERLIN BREAKAGE SYNDROME; Ataxia telangiectasia variant V1. Identifiers: Orphanet 647, MedGen C0398791, MONDO:0009623, OMIM 251260.

Submissions (4):

Labcorp Genetics (formerly Invitae), Labcorp
Classification: Pathogenic for Microcephaly, normal intelligence and immunodeficiency. Last evaluated: 2023-08-03. Review status: criteria provided, single submitter. Criteria: Invitae Variant Classification Sherloc (09022015). Collection method: clinical testing. Allele origin: germline.
Comment: The frequency data for this variant in the population databases is considered unreliable, as metrics indicate poor data quality at this position in the gnomAD database. For these reasons, this variant has been classified as Pathogenic. ClinVar contains an entry for this variant (Variation ID: 557162). This variant has not been reported in the literature in individuals affected with NBN-related conditions. This sequence change creates a premature translational stop signal (p.Arg466Glyfs*18) in the NBN gene. It is expected to result in an absent or disrupted protein product. Loss-of-function variants in NBN are known to be pathogenic (PMID: 9590180, 16415040).

Ambry Genetics
Classification: Pathogenic for Hereditary cancer-predisposing syndrome. Last evaluated: 2023-03-16. Review status: criteria provided, single submitter. Criteria: Ambry Variant Classification Scheme 2023. Collection method: clinical testing. Allele origin: germline.
Comment: The c.1396delA pathogenic mutation, located in coding exon 10 of the NBN gene, results from a deletion of one nucleotide at nucleotide position 1396, causing a translational frameshift with a predicted alternate stop codon (p.R466Gfs*18). This alteration is expected to result in loss of function by premature protein truncation or nonsense-mediated mRNA decay. As such, this alteration is interpreted as a disease-causing mutation.

Department Of Pathology & Laboratory Medicine, University Of Pennsylvania
Classification: Pathogenic for Malignant lymphoma, large B-cell, diffuse. Last evaluated: 2023-12-04. Review status: no assertion criteria provided. Collection method: clinical testing. Allele origin: somatic. Affected: yes. Observed: 1 variant allele. Not counted in ClinVar's aggregate classification.
Comment: Post-initial therapy specimen.

Counsyl
Classification: Likely pathogenic for Microcephaly, normal intelligence and immunodeficiency. Last evaluated: 2018-03-05. Review status: no assertion criteria provided. Collection method: clinical testing. Allele origin: unknown. Not counted in ClinVar's aggregate classification.

Literature cited by the submitters: PubMed 9590180 (cited by Labcorp Genetics (formerly Invitae), Labcorp); PubMed 16415040 (cited by Labcorp Genetics (formerly Invitae), Labcorp).

NM_002485.5(NBN):c.1396del (p.Arg466fs)

Gene: NBN (nibrin; minus strand). Cytogenetic location: 8q21.3.
Variant type: Deletion.
Coding change: c.1396del on transcript NM_002485.5 (MANE Select); coding-DNA position 1396, one base deleted (A; older notation c.1396delA).
Protein change: p.Arg466fs; shifts the reading frame from arginine 466.
Molecular consequence: frameshift variant.
Genome position (GRCh38, 1-based): chr8:89,955,284, T deleted on the plus strand (A on the coding strand, the reverse complement: NBN is on the minus strand); the first of 7 consecutive T bases (chr8:89,955,284-89,955,290); deleting any one gives the same sequence. VCF-style (leftmost placement, unchanged base first): chr8-89955283-CT-C. GRCh37 (hg19) VCF-style: chr8-90967511-CT-C.
Other names: c.1396del (NM_002485.4); c.1150del, p.Arg384fs (NM_001024688.3); c.1396delA (NM_002485.4); short protein forms R466fs, R384fs.
Identifiers: ClinVar variation 557162 (VCV000557162.10), dbSNP rs1349928568, ClinGen allele CA462114813.